The following is an entry in ClinVar:

ClinVar aggregate classification (germline): Uncertain significance (1 of 4 stars; one submission).

gnomAD v4.1: 3 of 1,613,570 alleles (0.00019%); highest among the groups gnomAD compares: Admixed American, 0.0017%; no homozygotes.

Submission:

Labcorp Genetics (formerly Invitae), Labcorp
Classification: Uncertain significance. Last evaluated: 2024-02-17. Review status: criteria provided, single submitter. Criteria: Invitae Variant Classification Sherloc (09022015). Collection method: clinical testing. Allele origin: germline.
Comment: This sequence change replaces serine, which is neutral and polar, with leucine, which is neutral and non-polar, at codon 1321 of the IGF1R protein (p.Ser1321Leu). This variant is present in population databases (no rsID available, gnomAD 0.003%). This variant has not been reported in the literature in individuals affected with IGF1R-related conditions. ClinVar contains an entry for this variant (Variation ID: 1931271). An algorithm developed to predict the effect of missense changes on protein structure and function (PolyPhen-2) suggests that this variant is likely to be tolerated. In summary, the available evidence is currently insufficient to determine the role of this variant in disease. Therefore, it has been classified as a Variant of Uncertain Significance.

NM_000875.5(IGF1R):c.3962C>T (p.Ser1321Leu)

Gene: IGF1R (insulin like growth factor 1 receptor; plus strand). Cytogenetic location: 15q26.3.
Variant type: single nucleotide variant.
Coding change: c.3962C>T on transcript NM_000875.5 (MANE Select); coding-DNA position 3962, C replaced by T.
Protein change: p.Ser1321Leu; replaces serine 1321 with leucine.
Molecular consequence: missense variant.
Genome position (GRCh38, 1-based): chr15:98,957,300, C>T. VCF-style: chr15-98957300-C-T. GRCh37 (hg19) VCF-style: chr15-99500529-C-T.
Other names: c.3959C>T, p.Ser1320Leu (NM_001291858.2); short protein forms S1320L, S1321L.
Identifiers: ClinVar variation 1931271 (VCV001931271.5), dbSNP rs755377291, ClinGen allele CA393669358.